The following is an entry in ClinVar:

ClinVar aggregate classification (germline): Likely pathogenic. Review status: criteria provided, multiple submitters, no conflicts (2 of 4 stars). 3 submissions from 3 submitters: Likely pathogenic (2). 1 of the submissions does not count toward it. Last evaluated 2023-06-17.

Conditions:
Usher syndrome type 1F (USH1F). Also called: USHER SYNDROME, TYPE IF. Identifiers: Orphanet 231169, Orphanet 886, MedGen C1865885, MONDO:0011186, OMIM 602083.
Autosomal recessive nonsyndromic hearing loss 23. Identifiers: Orphanet 90636, MedGen C1836027, MONDO:0012293, OMIM 609533.

Submissions (3):

Baylor Genetics
Classification: Likely pathogenic for Autosomal recessive nonsyndromic hearing loss 23. Last evaluated: 2023-06-17. Review status: criteria provided, single submitter. Criteria: ACMG Guidelines, 2015. Collection method: clinical testing. Allele origin: unknown.

Broad Center for Mendelian Genomics, Broad Institute of MIT and Harvard
Classification: Likely pathogenic for Usher syndrome type 1F. Last evaluated: 2023-01-24. Review status: criteria provided, single submitter. Criteria: ACMG Guidelines, 2015. Collection method: curation. Allele origin: germline. Inheritance: Autosomal recessive inheritance.
Comment: The p.Glu830fs variant in PCDH15 has not been previously reported in the literature in individuals with Usher syndrome type 1F but has been identified in 0.005% (1/18394) of East Asian chromosomes by the Genome Aggregation Database (gnomAD; dbSNP ID: rs757027638). Although this variant has been seen in the general population in a heterozygous state, its frequency is low enough to be consistent with a recessive carrier frequency. This variant has also been reported in ClinVar (Variation ID#: 370469) and has been interpreted as likely pathogenic by Counsyl. This variant is predicted to cause a frameshift, which alters the protein‚Äôs amino acid sequence beginning at position 830 and leads to a premature termination codon 54 amino acids downstream. This alteration is then predicted to lead to a truncated or absent protein. Loss of function of the PCDH15 gene is an established disease mechanism in autosomal recessive Usher syndrome type 1F. In summary, although additional studies are required to fully establish its clinical significance, this variant is likely pathogenic for autosomal recessive Usher syndrome type 1F. ACMG/AMP Criteria applied: PVS1, PM2 (Richards 2015).

Counsyl
Classification: Likely pathogenic for Usher syndrome type 1F. Last evaluated: 2016-02-19. Review status: no assertion criteria provided. Collection method: clinical testing. Allele origin: unknown. Not counted in ClinVar's aggregate classification.

NM_001384140.1(PCDH15):c.2487dup (p.Glu830fs)

Gene: PCDH15 (protocadherin related 15; minus strand). Cytogenetic location: 10q21.1.
Variant type: Duplication.
Coding change: c.2487dup on transcript NM_001384140.1 (MANE Select); coding-DNA position 2487, one base duplicated (A; older notation c.2487dupA).
Protein change: p.Glu830fs; shifts the reading frame from glutamic acid 830.
Molecular consequence: frameshift variant.
Genome position (GRCh38, 1-based): chr10:54,022,931, T duplicated on the plus strand (A on the coding strand, the reverse complement: PCDH15 is on the minus strand); the first of 2 consecutive T bases (chr10:54,022,931-54,022,932); duplicating either gives the same sequence. VCF-style (leftmost placement, unchanged base first): chr10-54022930-C-CT. GRCh37 (hg19) VCF-style: chr10-55782690-C-CT.
Other names: NM_001384140.1(PCDH15):c.2487dup; p.Glu830fs; c.2502dup, p.Glu835fs (NM_001142763.2, NM_001142771.2); c.2487dup, p.Glu830fs (NM_001142764.2, NM_001142766.2, NM_001142770.3 and 5 more transcripts); c.2274dup, p.Glu759fs (NM_001142765.2); c.2376dup, p.Glu793fs (NM_001142767.2); c.2421dup, p.Glu808fs (NM_001142768.2, NM_001142773.2, NM_001354404.2); c.2522dup, p.Glu842Argfs (NM_001142769.4); and 1 more; short protein forms E830fs, E793fs, E837fs, E842fs, E759fs, E808fs, E835fs.
Identifiers: ClinVar variation 370469 (VCV000370469.5), dbSNP rs757027638, ClinGen allele CA5506020.